The following is an entry in ClinVar:

NM_021020.5(LZTS1):c.279G>T (p.Gln93His)

Gene: LZTS1 (leucine zipper tumor suppressor 1; minus strand). Cytogenetic location: 8p21.3.
Variant type: single nucleotide variant.
Coding change: c.279G>T on transcript NM_021020.5 (MANE Select); coding-DNA position 279, G replaced by T.
Protein change: p.Gln93His; replaces glutamine 93 with histidine.
Molecular consequence: missense variant.
Genome position (GRCh38, 1-based): chr8:20,254,903, C>A on the plus strand (G>T on the coding strand, the complement: LZTS1 is on the minus strand). VCF-style: chr8-20254903-C-A. GRCh37 (hg19) VCF-style: chr8-20112414-C-A.
Other names: c.279G>T, p.Gln93His (NM_001362884.2); short protein forms Q93H.
Identifiers: ClinVar variation 2191349 (VCV002191349.4), dbSNP rs770841715, ClinGen allele CA4657570.

ClinVar aggregate classification (germline): Uncertain significance (1 of 4 stars; one submission).

Allele frequency attached by ClinVar (database versions not stated): gnomAD 0.00001; TOPMed 0.00001; ExAC 0.00002.
gnomAD v4.1: 8 of 1,614,106 alleles (0.0005%); highest among the groups gnomAD compares: Admixed American, 0.0017%; no homozygotes.

Submission:

Labcorp Genetics (formerly Invitae), Labcorp
Classification: Uncertain significance. Last evaluated: 2024-12-17. Review status: criteria provided, single submitter. Criteria: Invitae Variant Classification Sherloc (09022015). Collection method: clinical testing. Allele origin: germline.
Comment: This sequence change replaces glutamine, which is neutral and polar, with histidine, which is basic and polar, at codon 93 of the LZTS1 protein (p.Gln93His). This variant is present in population databases (rs770841715, gnomAD 0.003%). This variant has not been reported in the literature in individuals affected with LZTS1-related conditions. ClinVar contains an entry for this variant (Variation ID: 2191349). Invitae Evidence Modeling of protein sequence and biophysical properties (such as structural, functional, and spatial information, amino acid conservation, physicochemical variation, residue mobility, and thermodynamic stability) indicates that this missense variant is not expected to disrupt LZTS1 protein function with a negative predictive value of 80%. In summary, the available evidence is currently insufficient to determine the role of this variant in disease. Therefore, it has been classified as a Variant of Uncertain Significance.